The following is an entry in ClinVar:

ClinVar aggregate classification (germline): Uncertain significance. Review status: criteria provided, multiple submitters, no conflicts (2 of 4 stars). 2 submissions from 2 submitters: Uncertain significance (2). Last evaluated 2024-03-28.

Submissions (2):

Labcorp Genetics (formerly Invitae), Labcorp
Classification: Uncertain significance. Last evaluated: 2024-03-28. Review status: criteria provided, single submitter. Criteria: Invitae Variant Classification Sherloc (09022015). Collection method: clinical testing. Allele origin: germline.
Comment: This sequence change replaces aspartic acid, which is acidic and polar, with glutamic acid, which is acidic and polar, at codon 436 of the CDH2 protein (p.Asp436Glu). This variant is not present in population databases (gnomAD no frequency). This variant has not been reported in the literature in individuals affected with CDH2-related conditions. An algorithm developed to predict the effect of missense changes on protein structure and function (PolyPhen-2) suggests that this variant is likely to be disruptive. In summary, the available evidence is currently insufficient to determine the role of this variant in disease. Therefore, it has been classified as a Variant of Uncertain Significance.

Blueprint Genetics
Classification: Uncertain significance. Last evaluated: 2023-06-19. Review status: criteria provided, single submitter. Criteria: ACMG Guidelines, 2015. Collection method: clinical testing. Allele origin: germline.

NM_001792.5(CDH2):c.1308C>G (p.Asp436Glu)

Gene: CDH2 (cadherin 2; minus strand). Cytogenetic location: 18q12.1.
Variant type: single nucleotide variant.
Coding change: c.1308C>G on transcript NM_001792.5 (MANE Select); coding-DNA position 1308, C replaced by G.
Protein change: p.Asp436Glu; replaces aspartic acid 436 with glutamic acid.
Molecular consequence: missense variant.
Genome position (GRCh38, 1-based): chr18:27,992,691, G>C on the plus strand (C>G on the coding strand, the complement: CDH2 is on the minus strand). VCF-style: chr18-27992691-G-C. GRCh37 (hg19) VCF-style: chr18-25572655-G-C.
Other names: c.1215C>G, p.Asp405Glu (NM_001308176.2); short protein forms D405E, D436E.
Identifiers: ClinVar variation 2878752 (VCV002878752.4), dbSNP rs2510799020, ClinGen allele CA402109745.